The following is an entry in ClinVar:

ClinVar aggregate classification (germline): Uncertain significance (1 of 4 stars; one submission).

Allele frequency attached by ClinVar (database versions not stated): gnomAD 0.00001; ExAC 0.00002; TOPMed 0.00002; 1000 Genomes Project 30x 0.00016; 1000 Genomes Project 0.00020.
gnomAD v4.1: 14 of 1,614,198 alleles (0.00087%); highest among the groups gnomAD compares: Admixed American, 0.0017%; no homozygotes.

Submission:

Labcorp Genetics (formerly Invitae), Labcorp
Classification: Uncertain significance. Last evaluated: 2022-03-18. Review status: criteria provided, single submitter. Criteria: Invitae Variant Classification Sherloc (09022015). Collection method: clinical testing. Allele origin: germline.
Comment: This sequence change replaces lysine, which is basic and polar, with glutamic acid, which is acidic and polar, at codon 8 of the KIAA0556 protein (p.Lys8Glu). This variant is present in population databases (rs541138899, gnomAD 0.003%). This variant has not been reported in the literature in individuals affected with KIAA0556-related conditions. Algorithms developed to predict the effect of missense changes on protein structure and function are either unavailable or do not agree on the potential impact of this missense change (SIFT: "Tolerated"; PolyPhen-2: "Possibly Damaging"; Align-GVGD: "Class C0"). In summary, the available evidence is currently insufficient to determine the role of this variant in disease. Therefore, it has been classified as a Variant of Uncertain Significance.

NM_015202.5(KATNIP):c.22A>G (p.Lys8Glu)

Gene: KATNIP (katanin interacting protein; plus strand). Cytogenetic location: 16p12.1.
Variant type: single nucleotide variant.
Coding change: c.22A>G on transcript NM_015202.5 (MANE Select); coding-DNA position 22, A replaced by G.
Protein change: p.Lys8Glu; replaces lysine 8 with glutamic acid.
Molecular consequence: missense variant.
Genome position (GRCh38, 1-based): chr16:27,573,915, A>G. VCF-style: chr16-27573915-A-G. GRCh37 (hg19) VCF-style: chr16-27585236-A-G.
Other names: short protein forms K8E.
Identifiers: ClinVar variation 2153345 (VCV002153345.1), dbSNP rs541138899, ClinGen allele CA7977176.